The following is an entry in ClinVar:

ClinVar aggregate classification (germline): Uncertain significance (1 of 4 stars; one submission).

Conditions:
Recurrent Neisseria infections due to factor D deficiency. Also called: FACTOR D DEFICIENCY. Identifiers: Orphanet 169467, MedGen C0398764, MONDO:0013487, OMIM 613912.

Allele frequency attached by ClinVar (database versions not stated): ExAC 0.00002; gnomAD 0.00004 and 0.00005; TOPMed 0.00006; ESP Exome Variant Server 0.00008.

Submission:

Center for Genomics, Ann and Robert H. Lurie Children's Hospital of Chicago
Classification: Uncertain significance for Recurrent Neisseria infections due to factor D deficiency. Last evaluated: 2021-03-30. Review status: criteria provided, single submitter. Criteria: ACMG Guidelines, 2015. Collection method: clinical testing. Allele origin: germline.
Comment: CFD NM_001928 exon 4 p.Ile155Val (c.463A>G): This variant has not been reported in the literature but is present in 3/8712 African alleles in the Genome Aggregation Database. This variant amino acid Valine (Val) is present in >30 species including mammals and is not well conserved among evolutionarily distant species; this suggests that this variant may not impact the protein. Additional computational prediction tools do not suggest an impact. In summary, data on this variant is insufficient for disease classification. Therefore, the clinical significance of this variant is uncertain.

NM_001928.4(CFD):c.463A>G (p.Ile155Val)

Gene: CFD (complement factor D; plus strand). Cytogenetic location: 19p13.3.
Variant type: single nucleotide variant.
Coding change: c.463A>G on transcript NM_001928.4 (MANE Select); coding-DNA position 463, A replaced by G.
Protein change: p.Ile155Val; replaces isoleucine 155 with valine.
Molecular consequence: missense variant.
Genome position (GRCh38, 1-based): chr19:861,804, A>G. VCF-style: chr19-861804-A-G. GRCh37 (hg19) VCF-style: chr19-861804-A-G.
Other names: c.484A>G, p.Ile162Val (NM_001317335.2); short protein forms I155V, I162V.
Identifiers: ClinVar variation 625914 (VCV000625914.2), dbSNP rs373019471, ClinGen allele CA9026370.